The following is an entry in ClinVar:

NM_014363.6(SACS):c.696T>A (p.Asn232Lys)

Gene: SACS (sacsin molecular chaperone; minus strand). Cytogenetic location: 13q12.12.
Variant type: single nucleotide variant.
Coding change: c.696T>A on transcript NM_014363.6 (MANE Select); coding-DNA position 696, T replaced by A.
Protein change: p.Asn232Lys; replaces asparagine 232 with lysine.
Molecular consequence: missense variant.
Genome position (GRCh38, 1-based): chr13:23,355,916, A>T on the plus strand (T>A on the coding strand, the complement: SACS is on the minus strand). VCF-style: chr13-23355916-A-T. GRCh37 (hg19) VCF-style: chr13-23930055-A-T.
Other names: c.255T>A, p.Asn85Lys (NM_001278055.2); short protein forms N232K, N85K.
Identifiers: ClinVar variation 130204 (VCV000130204.38), dbSNP rs2031640, ClinGen allele CA155046.

ClinVar aggregate classification (germline): Benign/Likely benign. Review status: criteria provided, multiple submitters, no conflicts (2 of 4 stars). 13 submissions from 13 submitters: Benign (7); Likely benign (1). 5 of the submissions do not count toward it. Last evaluated 2026-02-04.

Conditions:
Hereditary spastic paraplegia. Also called: Familial spastic paraparesis. Identifiers: Orphanet 685, MedGen C0037773, MONDO:0019064. Disease mechanism: loss of function.
Charlevoix-Saguenay spastic ataxia (SACS). Also called: SPASTIC ATAXIA 6, AUTOSOMAL RECESSIVE; AUTOSOMAL RECESSIVE SPASTIC ATAXIA OF CHARLEVOIX-SAGUENAY; Spastic ataxia of Charlevoix-Saguenay. Identifiers: Orphanet 98, MedGen C1849140, MONDO:0010041, OMIM 270550.
Spastic paraplegia. Identifiers: MedGen C0037772, HP:0001258.

Allele frequency attached by ClinVar (database versions not stated): TOPMed 0.07942; 1000 Genomes Project 30x 0.08417; ESP Exome Variant Server 0.08496; gnomAD 0.08558 and 0.08898; 1000 Genomes Project 0.08646; gnomAD exomes 0.11184; ExAC 0.11445.
gnomAD v4.1: 182,900 of 1,614,054 alleles (11%); highest among the groups gnomAD compares: East Asian, 13%; 11,232 homozygotes.

Submissions (13):

Labcorp Genetics (formerly Invitae), Labcorp
Classification: Benign for Spastic paraplegia. Last evaluated: 2026-02-04. Review status: criteria provided, single submitter. Criteria: Invitae Variant Classification Sherloc (09022015). Collection method: clinical testing. Allele origin: germline.

Blueprint Genetics
Classification: Benign. Last evaluated: 2024-11-27. Review status: criteria provided, single submitter. Criteria: ACMG Guidelines, 2015. Collection method: clinical testing. Allele origin: germline.

Genome-Nilou Lab
Classification: Benign for Charlevoix-Saguenay spastic ataxia. Last evaluated: 2021-07-01. Review status: criteria provided, single submitter. Criteria: ACMG Guidelines, 2015. Collection method: clinical testing. Allele origin: germline. Affected: no.

GeneDx
Classification: Benign. Last evaluated: 2018-07-31. Review status: criteria provided, single submitter. Criteria: GeneDx Variant Classification Process June 2021. Collection method: clinical testing. Allele origin: germline. Affected: yes.

Genome Diagnostics Laboratory, The Hospital for Sick Children
Classification: Benign for Hereditary spastic paraplegia. Last evaluated: 2016-12-12. Review status: criteria provided, single submitter. Criteria: ACMG Guidelines, 2015. Collection method: clinical testing. Allele origin: germline. Affected: yes.

Clinical Genetics DNA and cytogenetics Diagnostics Lab, Erasmus MC, Erasmus Medical Center
Classification: Benign for Charlevoix-Saguenay spastic ataxia. Last evaluated: 2015-09-21. Review status: criteria provided, single submitter. Criteria: ACGS Guidelines, 2013. Collection method: clinical testing. Allele origin: germline. Affected: yes. Study: VKGL Data-share Consensus.

Breakthrough Genomics
Classification: Likely benign. Review status: criteria provided, single submitter. Criteria: ACMG Guidelines, 2015. Collection method: not provided. Allele origin: germline. Inheritance: Autosomal recessive inheritance. Affected: yes.

PreventionGenetics, part of Exact Sciences
Classification: Benign. Review status: criteria provided, single submitter. Criteria: ACMG Guidelines, 2015. Collection method: clinical testing. Allele origin: germline.

Natera, Inc.
Classification: Benign for Charlevoix-Saguenay type spastic ataxia. Last evaluated: 2019-11-21. Review status: no assertion criteria provided. Collection method: clinical testing. Allele origin: germline. Not counted in ClinVar's aggregate classification.

Mayo Clinic Laboratories, Mayo Clinic
Classification: Benign. Last evaluated: 2016-02-22. Review status: no assertion criteria provided. Collection method: clinical testing. Allele origin: unknown. Not counted in ClinVar's aggregate classification.

Diagnostic Laboratory, Department of Genetics, University Medical Center Groningen
Classification: Benign for Charlevoix-Saguenay spastic ataxia. Review status: no assertion criteria provided. Collection method: clinical testing. Allele origin: germline. Affected: yes. Study: VKGL Data-share Consensus. Not counted in ClinVar's aggregate classification.

Genetic Services Laboratory, University of Chicago
Classification: Likely benign for AllHighlyPenetrant. Review status: no assertion criteria provided. Collection method: clinical testing. Allele origin: germline. Inheritance: Autosomal recessive inheritance. Not counted in ClinVar's aggregate classification.
Comment: Likely benign based on allele frequency in 1000 Genomes Project or ESP global frequency and its presence in a patient with a rare or unrelated disease phenotype. NOT Sanger confirmed.

Joint Genome Diagnostic Labs from Nijmegen and Maastricht, Radboudumc and MUMC+
Classification: Benign. Review status: no assertion criteria provided. Collection method: clinical testing. Allele origin: germline. Affected: yes. Study: VKGL Data-share Consensus. Not counted in ClinVar's aggregate classification.